The following is an entry in ClinVar:

ClinVar aggregate classification (germline): Pathogenic. Review status: criteria provided, multiple submitters, no conflicts (2 of 4 stars). 2 submissions from 2 submitters: Pathogenic (2). Last evaluated 2024-01-09.

Conditions:
Hereditary cancer-predisposing syndrome. Also called: Tumor predisposition; Hereditary Cancer Syndrome; Neoplastic Syndromes, Hereditary; Hereditary neoplastic syndrome. Identifiers: Orphanet 140162, MedGen C0027672, MeSH D009386, MONDO:0015356.
Peutz-Jeghers syndrome (PJS). Also called: POLYPOSIS, HAMARTOMATOUS INTESTINAL; POLYPS-AND-SPOTS SYNDROME; Peutz-Jeghers polyposis; Periorificial lentiginosis syndrome. Identifiers: Orphanet 2869, MedGen C0031269, MeSH D010580, MONDO:0008280, OMIM 175200.

gnomAD v4.1: 1 of 1,609,544 alleles (0.000062%); highest among the groups gnomAD compares: South Asian, 0.0011%; no homozygotes.

Submissions (2):

Labcorp Genetics (formerly Invitae), Labcorp
Classification: Pathogenic for Peutz-Jeghers syndrome. Last evaluated: 2024-01-09. Review status: criteria provided, single submitter. Criteria: Invitae Variant Classification Sherloc (09022015). Collection method: clinical testing. Allele origin: germline.
Comment: This sequence change creates a premature translational stop signal (p.Ser240*) in the STK11 gene. It is expected to result in an absent or disrupted protein product. Loss-of-function variants in STK11 are known to be pathogenic (PMID: 15188174, 16287113). This variant is not present in population databases (gnomAD no frequency). This premature translational stop signal has been observed in individual(s) with clinical features of Peutz-Jeghers syndrome (PMID: 15188174, 17924967; Invitae). ClinVar contains an entry for this variant (Variation ID: 216070). Algorithms developed to predict the effect of sequence changes on RNA splicing suggest that this variant may disrupt the consensus splice site. For these reasons, this variant has been classified as Pathogenic.

Ambry Genetics
Classification: Pathogenic for Hereditary cancer-predisposing syndrome. Last evaluated: 2021-02-09. Review status: criteria provided, single submitter. Criteria: Ambry Variant Classification Scheme 2023. Collection method: clinical testing. Allele origin: germline.
Comment: The c.719C>A pathogenic mutation (also known as p.S240*), located in coding exon 5 of the STK11 gene, results from a C to A substitution at nucleotide position 719. This changes the amino acid from a serine to a stop codon within coding exon 5. This mutation has been observed in multiple individuals with a personal and/or family history that is consistent with Peutz-Jeghers syndrome (Lim W et al. Gastroenterology, 2004 Jun;126:1788-94; de Leng WW et al. Clin Genet, 2007 Dec;72:568-73; Aretz S et al. Hum Mutat, 2005 Dec;26:513-9; Ambry internal data). This variant is considered to be rare based on population cohorts in the Genome Aggregation Database (gnomAD). This nucleotide position is highly conserved in available vertebrate species. In silico splice site analysis predicts that this alteration may weaken the native splice donor site and will result in the creation or strengthening of a novel splice donor site. RNA studies have demonstrated that this alteration results in abnormal splicing in the set of samples tested (Ambry internal data). Based on the supporting evidence, this alteration is interpreted as a disease-causing mutation.

Literature cited by the submitters: PubMed 15188174 (cited by Labcorp Genetics (formerly Invitae), Labcorp and Ambry Genetics); PubMed 16287113 (cited by Labcorp Genetics (formerly Invitae), Labcorp and Ambry Genetics); PubMed 17924967 (cited by Labcorp Genetics (formerly Invitae), Labcorp and Ambry Genetics).

NM_000455.5(STK11):c.719C>A (p.Ser240Ter)

Gene: STK11 (serine/threonine kinase 11; plus strand). Cytogenetic location: 19p13.3.
Variant type: single nucleotide variant.
Coding change: c.719C>A on transcript NM_000455.5 (MANE Select); coding-DNA position 719, C replaced by A.
Protein change: p.Ser240Ter; replaces serine 240 with a stop codon.
Molecular consequence: nonsense.
Genome position (GRCh38, 1-based): chr19:1,220,702, C>A. VCF-style: chr19-1220702-C-A. GRCh37 (hg19) VCF-style: chr19-1220701-C-A.
Other names: short protein forms S240*.
Identifiers: ClinVar variation 216070 (VCV000216070.13), dbSNP rs730881976, ClinGen allele CA338699.